The following is an entry in ClinVar:

NM_000540.3(RYR1):c.15022-14A>G

Gene: RYR1 (ryanodine receptor 1; plus strand). Cytogenetic location: 19q13.2.
Variant type: single nucleotide variant.
Coding change: c.15022-14A>G on transcript NM_000540.3 (MANE Select); 14 bases into the intron before coding-DNA position 15022, A replaced by G.
Molecular consequence: intron variant.
Genome position (GRCh38, 1-based): chr19:38,587,311, A>G. VCF-style: chr19-38587311-A-G. GRCh37 (hg19) VCF-style: chr19-39077951-A-G.
Other names: c.15007-14A>G (NM_001042723.2).
Identifiers: ClinVar variation 509236 (VCV000509236.9), dbSNP rs1355487795, ClinGen allele CA632878465.
Genomic context (GRCh38, chr19:38,587,311, plus strand): 5'-TAAAAATATATATATATATATGTCTCAAGGGTTTGAAGATGTGACCAATGAACTCTTTCT[A>G]TCCCCAATCCTAGGAGTCTTATGTCTGGAAGATGTACCAAGAGAGATGTTGGGATTTCTT-3'

ClinVar aggregate classification (germline): Likely benign. Review status: criteria provided, multiple submitters, no conflicts (2 of 4 stars). 5 submissions from 5 submitters: Likely benign (5). Last evaluated 2025-11-27.

Conditions:
RYR1-related disorder. Also called: RYR1-related condition; RYR1-related disorders. Identifiers: MedGen CN239331.
Central core myopathy (CMYO1A). Also called: CONGENITAL MYOPATHY 1A, AUTOSOMAL DOMINANT, WITH SUSCEPTIBILITY TO MALIGNANT HYPERTHERMIA; Central core disease; Myopathy, central fibrillar. Identifiers: Orphanet 597, MedGen C5830701, MONDO:0007294, OMIM 117000.
Congenital myopathy with fiber type disproportion. Also called: Congenital fiber-type disproportion; Congenital fiber-type disproportion myopathy. Identifiers: Orphanet 2020, MedGen C0546264, MONDO:0009711. Inheritance: all.
Congenital multicore myopathy with external ophthalmoplegia (CMYO1B). Also called: Congenital myopathy 1B, autosomal recessive; Minicore myopathy; Minicore myopathy with external ophthalmoplegia; MULTIMINICORE DISEASE WITH EXTERNAL OPHTHALMOPLEGIA; MULTICORE MYOPATHY. Identifiers: Orphanet 598, Orphanet 98905, MedGen C1850674, MONDO:0009712, OMIM 255320, HP:0003789.
Malignant hyperthermia, susceptibility to, 1 (MHS1). Also called: Anesthesia related hyperthermia; Malignant hyperpyrexia; Fulminating hyperpyrexia; Pharmacogenic myopathy; RYR1-Related Malignant Hyperthermia Susceptibility; Malignant hyperthermia suceptibility 1. Identifiers: Orphanet 423, MedGen C2930980, MONDO:0007783, OMIM 145600.
King Denborough syndrome (KDS). Identifiers: MedGen C1840365, MONDO:0020485, OMIM 619542.

Allele frequency attached by ClinVar (database versions not stated): gnomAD exomes below 0.00001; gnomAD 0.00001; TOPMed 0.00002.
gnomAD v4.1: 4 of 1,580,818 alleles (0.00025%); highest among the groups gnomAD compares: African/African-American, 0.0027%; no homozygotes.

Submissions (5):

Labcorp Genetics (formerly Invitae), Labcorp
Classification: Likely benign for RYR1-related disorder. Last evaluated: 2025-11-27. Review status: criteria provided, single submitter. Criteria: Invitae Variant Classification Sherloc (09022015). Collection method: clinical testing. Allele origin: germline.

Blueprint Genetics
Classification: Likely benign. Last evaluated: 2024-07-30. Review status: criteria provided, single submitter. Criteria: ACMG Guidelines, 2015. Collection method: clinical testing. Allele origin: germline.

All of Us Research Program, National Institutes of Health
Classification: Likely benign for Malignant hyperthermia, susceptibility to, 1. Last evaluated: 2024-02-22. Review status: criteria provided, single submitter. Criteria: ACMG Guidelines, 2015. Collection method: clinical testing. Allele origin: germline. Inheritance: Autosomal dominant inheritance. Observed: 1 variant allele, 1 heterozygote.
Comment: This study involves interpretation of variants in research participants for the purpose of population health screening. Participant phenotype was not available at the time of variant classification. Additional details can be found in publication PMID: 35346344, PMCID: PMC8962531

Fulgent Genetics
Classification: Likely benign for Central core myopathy; Malignant hyperthermia, susceptibility to, 1; Congenital myopathy 4A, autosomal dominant; Congenital multicore myopathy with external ophthalmoplegia; King Denborough syndrome. Last evaluated: 2021-08-24. Review status: criteria provided, single submitter. Criteria: ACMG Guidelines, 2015. Collection method: clinical testing. Allele origin: unknown.

GeneDx
Classification: Likely benign. Last evaluated: 2017-05-03. Review status: criteria provided, single submitter. Criteria: GeneDx Variant Classification (06012015). Collection method: clinical testing. Allele origin: germline. Affected: yes.
Comment: This variant is considered likely benign or benign based on one or more of the following criteria: it is a conservative change, it occurs at a poorly conserved position in the protein, it is predicted to be benign by multiple in silico algorithms, and/or has population frequency not consistent with disease.